The following is an entry in ClinVar:

ClinVar aggregate classification (germline): Uncertain significance (1 of 4 stars; one submission).

Conditions:
Primary ciliary dyskinesia. Also called: Ciliary dyskinesia. Identifiers: Orphanet 244, MedGen C0008780, MONDO:0016575, HP:0012265.

Submission:

Labcorp Genetics (formerly Invitae), Labcorp
Classification: Uncertain significance for Primary ciliary dyskinesia. Last evaluated: 2022-06-17. Review status: criteria provided, single submitter. Criteria: Invitae Variant Classification Sherloc (09022015). Collection method: clinical testing. Allele origin: germline.
Comment: In summary, the available evidence is currently insufficient to determine the role of this variant in disease. Therefore, it has been classified as a Variant of Uncertain Significance. Algorithms developed to predict the effect of missense changes on protein structure and function are either unavailable or do not agree on the potential impact of this missense change (SIFT: "Not Available"; PolyPhen-2: "Possibly Damaging"; Align-GVGD: "Not Available"). This variant has not been reported in the literature in individuals affected with DNAH5-related conditions. Information on the frequency of this variant in the gnomAD database is not available, as this variant may be reported differently in the database. This sequence change replaces serine, which is neutral and polar, with leucine, which is neutral and non-polar, at codon 3180 of the DNAH5 protein (p.Ser3180Leu).

NM_001369.3(DNAH5):c.9538_9539delinsCT (p.Ser3180Leu)

Gene: DNAH5 (dynein axonemal heavy chain 5; minus strand). Cytogenetic location: 5p15.2.
Variant type: Indel.
Coding change: c.9538_9539delinsCT on transcript NM_001369.3 (MANE Select); coding-DNA positions 9538 to 9539, TC replaced by CT.
Protein change: p.Ser3180Leu; replaces serine 3180 with leucine.
Molecular consequence: missense variant.
Genome position (GRCh38, 1-based): chr5:13,770,815-13,770,816, GA replaced by AG on the plus strand (TC replaced by CT on the coding strand, the reverse complement: DNAH5 is on the minus strand). VCF-style: chr5-13770815-GA-AG. GRCh37 (hg19) VCF-style: chr5-13770924-GA-AG.
Other names: short protein forms S3180L.
Identifiers: ClinVar variation 2007620 (VCV002007620.4), dbSNP rs2546662983, ClinGen allele CA2580072361.
Genomic context (GRCh38, chr5:13,770,815, plus strand): 5'-GCCAGGGTCCGCACCTCCACATGCTTTTCTCCATATATGAACTTATAGCCCTGAATAAAG[GA>AG]GAGGTATGATTTGGGCGTCACGTGGGTAGAACGTCGGAATCTCTGAAAATAATCAACACA-3'
Protein context (NP_001360.1, residues 3170-3190): STHVTPKSYL[Ser3180Leu]FIQGYKFIYG